The following is an entry in ClinVar:

NM_005909.5(MAP1B):c.3861A>C (p.Lys1287Asn)

Gene: MAP1B (microtubule associated protein 1B; plus strand). Cytogenetic location: 5q13.2.
Variant type: single nucleotide variant.
Coding change: c.3861A>C on transcript NM_005909.5 (MANE Select); coding-DNA position 3861, A replaced by C.
Protein change: p.Lys1287Asn; replaces lysine 1287 with asparagine.
Molecular consequence: missense variant.
Genome position (GRCh38, 1-based): chr5:72,197,216, A>C. VCF-style: chr5-72197216-A-C. GRCh37 (hg19) VCF-style: chr5-71493043-A-C.
Other names: c.3483A>C, p.Lys1161Asn (NM_001324255.2); short protein forms K1161N, K1287N.
Identifiers: ClinVar variation 3773972 (VCV003773972.1).

ClinVar aggregate classification (germline): Uncertain significance (1 of 4 stars; one submission).

Submission:

GeneDx
Classification: Uncertain significance. Last evaluated: 2024-09-22. Review status: criteria provided, single submitter. Criteria: GeneDx Variant Classification Process June 2021. Collection method: clinical testing. Allele origin: germline. Affected: yes.
Comment: Not observed at significant frequency in large population cohorts (gnomAD); In silico analysis indicates that this missense variant does not alter protein structure/function; Has not been previously published as pathogenic or benign to our knowledge